The following is an entry in ClinVar:

NM_000195.5(HPS1):c.118-104_129del

Gene: HPS1 (HPS1 biogenesis of lysosomal organelles complex 3 subunit 1; minus strand). Cytogenetic location: 10q24.2.
Variant type: Deletion.
Coding change: c.118-104_129del on transcript NM_000195.5 (MANE Select); 104 bases into the intron before coding-DNA position 118 through coding-DNA position 129, 116 bases deleted.
Molecular consequence: splice acceptor variant.
Genome position (GRCh38, 1-based): chr10:98,435,761-98,435,876, 116 bases deleted. GRCh37 (hg19): chr10:100,195,519-100,195,634.
Other names: c.118-104_129del (NM_001322477.2, NM_001322491.2, NM_001322492.2 and 8 more transcripts); c.-799-104_-788del (NM_001311345.2); c.-898-104_-887del (NM_001322487.2); c.-109-104_-98del (NM_001322483.2, NM_001322485.2, NM_001322484.2); c.-656-104_-645del (NM_001322489.2).
Identifiers: ClinVar variation 4073701 (VCV004073701.1).

ClinVar aggregate classification (germline): Pathogenic (1 of 4 stars; one submission).

Conditions:
Hermansky-Pudlak syndrome 1 (HPS1). Also called: DELTA STORAGE POOL DISEASE. Identifiers: Orphanet 231500, Orphanet 79430, MedGen C2931875, MONDO:0008748, OMIM 203300.

Submission:

Department of Clinical Genetics, Copenhagen University Hospital, Rigshospitalet
Classification: Pathogenic for Hermansky-Pudlak syndrome 1. Last evaluated: 2025-05-23. Review status: criteria provided, single submitter. Criteria: ACMG Guidelines, 2015. Collection method: clinical testing. Allele origin: germline.
Comment: The following ACMG criteria has been used: PVS1, PM2_sup, PM3